The following is an entry in ClinVar:

ClinVar aggregate classification (germline): Pathogenic. Review status: reviewed by expert panel (3 of 4 stars). 51 submissions from 41 submitters: Pathogenic (1). 50 of the submissions do not count toward it. Last evaluated 2025-01-09.

Conditions:
Autosomal recessive limb-girdle muscular dystrophy type 2A (LGMDR1). Also called: Muscular dystrophy, limb-girdle, type 2A, Amish; Limb-girdle muscular dystrophy, type 2A; LEYDEN-MOEBIUS MUSCULAR DYSTROPHY; Calpainopathy; MUSCULAR DYSTROPHY, PELVOFEMORAL. Identifiers: Orphanet 267, MedGen C1869123, MONDO:0009675, OMIM 253600. Disease mechanism: loss of function.
Muscular dystrophy, limb-girdle, autosomal dominant 4. Also called: MUSCULAR DYSTROPHY, LIMB-GIRDLE, TYPE 1I; Calpain-3-related limb-girdle muscular dystrophy D4. Identifiers: Orphanet 565909, MedGen C4748295, MONDO:0029133, OMIM 618129.
Muscle weakness. Identifiers: MedGen C0151786, HP:0001324.
Absent Achilles reflex. Identifiers: MedGen C0558845, HP:0003438.
Myopathy. Identifiers: MedGen C0026848, MeSH D009135, MONDO:0005336, HP:0003198.
Difficulty walking. Identifiers: MedGen C0311394.
Paresthesia. Identifiers: MedGen C0030554, HP:0003401.
Migraine. Also called: Migraine disorder. Identifiers: MedGen C0149931, MONDO:0005277, HP:0002076.
Absent muscle fiber calpain-3. Identifiers: MedGen C4022625, HP:0030120.
Progressive spinal muscular atrophy. Identifiers: Orphanet 454706, MedGen C4082951, MONDO:0018687, HP:0009067.
Positive Romberg sign. Identifiers: MedGen C0240914, HP:0002403.
EMG: neuropathic changes. Identifiers: MedGen C4021727, HP:0003445.
Elevated circulating creatine kinase activity. Also called: Elevated circulating creatine kinase concentration; Elevated creatine kinase; Elevated serum creatine phosphokinase. Identifiers: MedGen C0241005, HP:0003236.
Limb-girdle muscular dystrophy, recessive. Identifiers: MedGen CN239352.
CAPN3-related disorder. Also called: CAPN3-related disorders; CAPN3-related condition. Identifiers: MedGen CN239245.
Muscular dystrophy. Identifiers: Orphanet 98473, MedGen C0026850, MeSH D009136, MONDO:0020121, HP:0003560.
Autosomal recessive limb-girdle muscular dystrophy. Identifiers: Orphanet 102015, MedGen C2931907, MONDO:0015152.
Congenital muscular dystrophy. Identifiers: Orphanet 97242, MedGen C0699743, MONDO:0019950. Disease mechanism: loss of function.
Lower-limb joint contracture. Identifiers: MedGen C1859523, HP:0005750.
Elbow flexion contracture. Identifiers: MedGen C0409338, HP:0002987.
Cardiac arrhythmia. Also called: Arrhythmia; Cardiac rhythm disease. Identifiers: MedGen C0003811, MONDO:0007263, HP:0011675.
EMG: myopathic abnormalities. Identifiers: MedGen C4021726, HP:0003458.
Shoulder girdle muscle weakness. Identifiers: MedGen C0427063, HP:0003547.
Calf muscle hypertrophy. Identifiers: MedGen C1843057, HP:0008981.
Limb-girdle muscle weakness. Identifiers: MedGen C1858127, HP:0003325.

Submissions 1 to 6 of 51:

ClinGen Limb Girdle Muscular Dystrophy Variant Curation Expert Panel, ClinGen
Classification: Pathogenic for Autosomal recessive limb-girdle muscular dystrophy. Last evaluated: 2025-01-09. Review status: reviewed by expert panel. Criteria: ClinGen LGMD VCEP ACMG Specifications CAPN3 V1.0.0. Collection method: curation. Allele origin: germline. Inheritance: Autosomal recessive inheritance.
Comment: The NM_000070.3: c.550del p.(Thr184ArgfsTer36) variant in CAPN3 is a frameshift variant predicted to cause a premature stop codon in biologically relevant exon 5/24, leading to nonsense mediated decay in a gene in which loss of function is an established disease mechanism (PVS1). This variant is one of the most common disease-causing variants in CAPN3 reported in patients with Eastern European and Mediterranean ancestry (PMID: 25900067). It has been detected in at least 36 individuals with LGMD (PMID: 17236769, 17994539, 26404900, 30919934, 31788660, 17702496, 27142102). Of those individuals, at least 11 were compound heterozygous and 18 were homozygous (1.0 pt) (PM3). At least one patient with this variant displayed progressive limb girdle muscle weakness as well as absent expression of calpain-3, which is highly specific for CAPN3-related LGMD (PP4_Strong; PMID: 17236769). The variant has also been reported to segregate with LGMD in two affected family members from two families (PP1, capped with PP4_Strong; PMID: 30919934). The filtering allele frequency of the variant is 0.0005368 for European (non-Finnish) exome alleles in gnomAD v2.1.1 (the upper threshold of the 95% CI of 48/113726), which is greater than the LGMD VCEP threshold (<0.0001) for PM2_Supporting (criterion not met). In summary, this variant meets the criteria to be classified as Pathogenic for autosomal recessive limb girdle muscular dystrophy based on the ACMG/AMP criteria applied, as specified by the ClinGen LGMD VCEP (LGMD VCEP specifications version 1.0.0; 01/09/2025): PVS1, PM3, PP4_Strong, PP1.

OLLIN Analises Genomicas, OLLIN
Classification: Pathogenic for Autosomal recessive limb-girdle muscular dystrophy type 2A. Last evaluated: 2026-08-06. Review status: criteria provided, single submitter. Criteria: ACMG Guidelines 2015 PMID 25741868. Collection method: clinical testing. Allele origin: germline. Inheritance: Autosomal dominant inheritance. Not counted in ClinVar's aggregate classification.
Comment: This frameshift variant, located in exon 4 (of 24), has been reported in ClinVar (accession VCV000017621.107) and in gnomAD with an allele frequency of 0.023%. However, to our knowledge, it has not been reported in the scientific literature. This variant causes a frameshift and introduces a premature stop codon, which is predicted to result in either a truncated protein or degradation of the mRNA via nonsense-mediated decay (NMD). According to the currently available evidence, this variant has been classified as pathogenic (PVS1, PM2_P, PM3).

CeGaT Center for Human Genetics Tuebingen
Classification: Pathogenic. Last evaluated: 2026-07-01. Review status: criteria provided, single submitter. Criteria: CeGaT Center For Human Genetics Tuebingen Variant Classification Criteria Version 2. Collection method: clinical testing. Allele origin: germline. Affected: yes. Observed: 27 variant alleles. Not counted in ClinVar's aggregate classification.
Comment: CAPN3: PM3:Very Strong, PVS1, PM2

Women's Health and Genetics/Laboratory Corporation of America, LabCorp
Classification: Pathogenic for Autosomal recessive limb-girdle muscular dystrophy. Last evaluated: 2026-04-10. Review status: criteria provided, single submitter. Criteria: LabCorp Variant Classification Summary - May 2015. Collection method: clinical testing. Allele origin: germline. Not counted in ClinVar's aggregate classification.
Comment: Variant summary: CAPN3 c.550delA (p.Thr184ArgfsX36) results in a premature termination codon, predicted to cause a truncation of the encoded protein or absence of the protein due to nonsense mediated decay, which are commonly known mechanisms for disease. The variant allele was found at a frequency of 0.00021 in 251442 control chromosomes (gnomAD). This frequency is not significantly higher than estimated for disease-causing variants in CAPN3, allowing no conclusion about variant significance. c.550delA has been observed in multiple individuals affected with Limb-Girdle Muscular Dystrophy, Autosomal Recessive (e.g. Stehlikova_2014). These data indicate that the variant is very likely to be associated with disease. The following publication has been ascertained in the context of this evaluation (PMID: 25135358). ClinVar contains an entry for this variant (Variation ID: 17621). Based on the evidence outlined above, the variant was classified as pathogenic for Limb-Girdle Muscular Dystrophy, Autosomal Recessive.

Institute of Human Genetics, Heidelberg University
Classification: Pathogenic for Autosomal recessive limb-girdle muscular dystrophy type 2A. Last evaluated: 2026-02-27. Review status: criteria provided, single submitter. Criteria: ACMG Guidelines, 2015. Collection method: clinical testing. Allele origin: maternal. Affected: yes. Observed: 2 variant alleles. Not counted in ClinVar's aggregate classification.
Comment: PVS1_vs, PM3_vs, PM2_supp, PP4_mod, PP1_supp

Genetic Diseases Diagnostic Center, Koc University Hospital
Classification: Pathogenic for Muscular dystrophy, limb-girdle, autosomal dominant 4. Last evaluated: 2026-02-20. Review status: criteria provided, single submitter. Criteria: ACMG Guidelines, 2015. Collection method: clinical testing. Allele origin: germline. Inheritance: Autosomal dominant inheritance. Affected: yes. Not counted in ClinVar's aggregate classification.
Comment: The CAPN3 c.550delA, p.(Thr184ArgfsTer36) (rs80338800) variant is a recurrent frameshift deletion predicted to introduce a premature termination codon and lead to nonsense-mediated decay in a gene in which loss of function is an established disease mechanism. This variant has been reported repeatedly in individuals with autosomal recessive CAPN3-related limb-girdle muscular dystrophy, including homozygous and compound heterozygous cases, and the current ClinVar aggregate record supports a pathogenic classification (PMID: 7720071, 14578192, 20635405, 21204801, 21984748, 27142102; ClinVar VCV000017621.101). The variant is annotated with a reported gnomAD allele frequency of 0.022000% and no homozygous individuals observed in that dataset. According to ACMG/AMP-based classifications, this variant has been interpreted as pathogenic with ACMG criteria: PVS1, PM1, PP5. Additional genetic and clinicopathological correlation is therefore required.

NM_000070.3(CAPN3):c.550del (p.Thr184fs)

Gene: CAPN3 (calpain 3; plus strand). Cytogenetic location: 15q15.1.
Variant type: Deletion.
Coding change: c.550del on transcript NM_000070.3 (MANE Select); coding-DNA position 550, one base deleted (A; older notation c.550delA).
Protein change: p.Thr184fs; shifts the reading frame from threonine 184.
Molecular consequence: frameshift variant.
Genome position (GRCh38, 1-based): chr15:42,387,804, A deleted; the last of 2 consecutive A bases (chr15:42,387,803-42,387,804); deleting either gives the same sequence. VCF-style (leftmost placement, unchanged base first): chr15-42387802-CA-C. GRCh37 (hg19) VCF-style: chr15-42680000-CA-C.
Other names: NM_000070.2:c.550del;p.Thr184Argfs*36; NM_000070.3(CAPN3):c.550del; p.Thr184fs; c.550del, p.Thr184fs (NM_024344.2, NM_173087.2); c.549delA (NM_000070.3); c.550delA (NM_000070.3); short protein forms T184fs.
Identifiers: ClinVar variation 17621 (VCV000017621.110), dbSNP rs80338800, ClinGen allele CA220352.